The following is an entry in ClinVar:

ClinVar aggregate classification (germline): Uncertain significance (1 of 4 stars; one submission).

gnomAD v4.1: 3 of 1,614,164 alleles (0.00019%); highest among the groups gnomAD compares: South Asian, 0.0033%; no homozygotes.

Submission:

Labcorp Genetics (formerly Invitae), Labcorp
Classification: Uncertain significance. Last evaluated: 2022-05-20. Review status: criteria provided, single submitter. Criteria: Invitae Variant Classification Sherloc (09022015). Collection method: clinical testing. Allele origin: germline.
Comment: Algorithms developed to predict the effect of missense changes on protein structure and function (SIFT, PolyPhen-2, Align-GVGD) all suggest that this variant is likely to be tolerated. In summary, the available evidence is currently insufficient to determine the role of this variant in disease. Therefore, it has been classified as a Variant of Uncertain Significance. This sequence change replaces alanine, which is neutral and non-polar, with glycine, which is neutral and non-polar, at codon 996 of the NIN protein (p.Ala996Gly). This variant is present in population databases (rs41313507, gnomAD 0.006%). This variant has not been reported in the literature in individuals affected with NIN-related conditions.

NM_020921.4(NIN):c.2987C>G (p.Ala996Gly)

Gene: NIN (ninein; minus strand). Cytogenetic location: 14q22.1.
Variant type: single nucleotide variant.
Coding change: c.2987C>G on transcript NM_020921.4 (MANE Select); coding-DNA position 2987, C replaced by G.
Protein change: p.Ala996Gly; replaces alanine 996 with glycine.
Molecular consequence: missense variant. On other transcripts: intron variant (1).
Genome position (GRCh38, 1-based): chr14:50,758,043, G>C on the plus strand (C>G on the coding strand, the complement: NIN is on the minus strand). VCF-style: chr14-50758043-G-C. GRCh37 (hg19) VCF-style: chr14-51224761-G-C.
Other names: c.2987C>G, p.Ala996Gly (NM_182944.3, NM_182946.2); c.2399+1814C>G (NM_016350.5); short protein forms A996G.
Identifiers: ClinVar variation 1950713 (VCV001950713.5), dbSNP rs41313507, ClinGen allele CA7181824.